The following is an entry in ClinVar:

NM_001008212.2(OPTN):c.649A>T (p.Arg217Ter)

Gene: OPTN (optineurin; plus strand). Cytogenetic location: 10p13.
Variant type: single nucleotide variant.
Coding change: c.649A>T on transcript NM_001008212.2 (MANE Select); coding-DNA position 649, A replaced by T.
Protein change: p.Arg217Ter; replaces arginine 217 with a stop codon.
Molecular consequence: nonsense.
Genome position (GRCh38, 1-based): chr10:13,118,910, A>T. VCF-style: chr10-13118910-A-T. GRCh37 (hg19) VCF-style: chr10-13160910-A-T.
Other names: c.649A>T, p.Arg217Ter (NM_001008211.1, NM_001008213.1, NM_021980.4); short protein forms R217*.
Identifiers: ClinVar variation 2126803 (VCV002126803.4), dbSNP rs1328890259, ClinGen allele CA376028381.

ClinVar aggregate classification (germline): Pathogenic (1 of 4 stars; one submission).

Conditions:
Primary open angle glaucoma (POAG). Also called: OPTN-related open angle glaucoma. Identifiers: MedGen C0339573, MONDO:0100553, OMIM 137760.
Amyotrophic lateral sclerosis type 12 (ALS12). Also called: AMYOTROPHIC LATERAL SCLEROSIS 12 WITH OR WITHOUT FRONTOTEMPORAL DEMENTIA. Identifiers: Orphanet 803, MedGen C3150692, MONDO:0013264, OMIM 613435.
Glaucoma 1, open angle, E. Identifiers: MedGen C1842026, MONDO:0007665.

Allele frequency attached by ClinVar (database versions not stated): gnomAD exomes below 0.00001.
gnomAD v4.1: 2 of 1,614,164 alleles (0.00012%); highest among the groups gnomAD compares: Non-Finnish European, 0.00017%; no homozygotes.

Submission:

Labcorp Genetics (formerly Invitae), Labcorp
Classification: Pathogenic for Primary open angle glaucoma; Glaucoma 1, open angle, E; Amyotrophic lateral sclerosis type 12. Last evaluated: 2022-04-16. Review status: criteria provided, single submitter. Criteria: Invitae Variant Classification Sherloc (09022015). Collection method: clinical testing. Allele origin: germline.
Comment: This sequence change creates a premature translational stop signal (p.Arg217*) in the OPTN gene. It is expected to result in an absent or disrupted protein product. Loss-of-function variants in OPTN are known to be pathogenic (PMID: 20428114). For these reasons, this variant has been classified as Pathogenic. This variant has not been reported in the literature in individuals affected with OPTN-related conditions. This variant is not present in population databases (gnomAD no frequency).

Literature cited by the submitters: PubMed 20428114.